The following is an entry in ClinVar:

ClinVar aggregate classification (germline): Uncertain significance. Review status: criteria provided, multiple submitters, no conflicts (2 of 4 stars). 2 submissions from 2 submitters: Uncertain significance (2). Last evaluated 2025-05-13.

Conditions:
Hereditary motor and sensory neuropathy, Okinawa type (HMSNO). Also called: HEREDITARY MOTOR AND SENSORY NEUROPATHY, PROXIMAL TYPE. Identifiers: Orphanet 90117, MedGen C1858338, MONDO:0011468, OMIM 604484.
Hereditary spastic paraplegia 57. Also called: Spastic paraplegia 57, autosomal recessive. Identifiers: Orphanet 431329, MedGen C3714897, MONDO:0014295, OMIM 615658.

Allele frequency attached by ClinVar (database versions not stated): TOPMed 0.00001; gnomAD 0.00002 and 0.00003; gnomAD exomes 0.00010; ExAC 0.00012.
gnomAD v4.1: 26 of 1,604,670 alleles (0.0016%); highest among the groups gnomAD compares: East Asian, 0.038%; no homozygotes.

Submissions (2):

Labcorp Genetics (formerly Invitae), Labcorp
Classification: Uncertain significance for Hereditary motor and sensory neuropathy, Okinawa type; Hereditary spastic paraplegia 57. Last evaluated: 2025-05-13. Review status: criteria provided, single submitter. Criteria: Invitae Variant Classification Sherloc (09022015). Collection method: clinical testing. Allele origin: germline.
Comment: This sequence change replaces asparagine, which is neutral and polar, with serine, which is neutral and polar, at codon 134 of the TFG protein (p.Asn134Ser). This variant is present in population databases (rs768746409, gnomAD 0.1%). This missense change has been observed in individual(s) with multiple system atrophy (PMID: 35642252). ClinVar contains an entry for this variant (Variation ID: 1498190). Invitae Evidence Modeling of protein sequence and biophysical properties (such as structural, functional, and spatial information, amino acid conservation, physicochemical variation, residue mobility, and thermodynamic stability) indicates that this missense variant is not expected to disrupt TFG protein function with a negative predictive value of 80%. In summary, the available evidence is currently insufficient to determine the role of this variant in disease. Therefore, it has been classified as a Variant of Uncertain Significance.

Blueprint Genetics
Classification: Uncertain significance. Last evaluated: 2022-08-31. Review status: criteria provided, single submitter. Criteria: ACMG Guidelines, 2015. Collection method: clinical testing. Allele origin: germline.

Literature cited by the submitters: PubMed 35642252 (cited by Labcorp Genetics (formerly Invitae), Labcorp).

NM_006070.6(TFG):c.401A>G (p.Asn134Ser)

Gene: TFG (trafficking from ER to golgi regulator; plus strand). Cytogenetic location: 3q12.2.
Variant type: single nucleotide variant.
Coding change: c.401A>G on transcript NM_006070.6 (MANE Select); coding-DNA position 401, A replaced by G.
Protein change: p.Asn134Ser; replaces asparagine 134 with serine.
Molecular consequence: missense variant.
Genome position (GRCh38, 1-based): chr3:100,728,844, A>G. VCF-style: chr3-100728844-A-G. GRCh37 (hg19) VCF-style: chr3-100447688-A-G.
Other names: c.401A>G, p.Asn134Ser (NM_001007565.2, NM_001195478.2, NM_001195479.2); short protein forms N134S.
Identifiers: ClinVar variation 1498190 (VCV001498190.9), dbSNP rs768746409, ClinGen allele CA2517064.
Genomic context (GRCh38, chr3:100,728,844, plus strand): 5'-ATAAAGTGAATCGTTTATTGGATAGCTTGGAACCACCTGGAGAACCAGGACCTTCCACCA[A>G]TATTCCTGAAAATGGTAAACCCTGAATCCATTGTATTCTGACTTATTGTTCTTACGTCTT-3'
Protein context (NP_006061.2, residues 124-144): EPPGEPGPST[Asn134Ser]IPENDTVDGR